The following is an entry in ClinVar:

ClinVar aggregate classification (germline): Conflicting classifications of pathogenicity. Review status: criteria provided, conflicting classifications (1 of 4 stars). 2 submissions from 2 submitters: Likely pathogenic (1); Uncertain significance (1). Last evaluated 2025-10-23.

Conditions:
Osteoporosis with pseudoglioma (OPPG). Also called: osteoporosis-pseudoglioma syndrome. Identifiers: Orphanet 2788, MedGen C0432252, MONDO:0009820, OMIM 259770.

Allele frequency attached by ClinVar (database versions not stated): gnomAD exomes below 0.00001; TOPMed 0.00001.
gnomAD v4.1: 1 of 1,613,250 alleles (0.000062%); highest among the groups gnomAD compares: Non-Finnish European, 0.000085%; no homozygotes.

Submissions (2):

Labcorp Genetics (formerly Invitae), Labcorp
Classification: Uncertain significance. Last evaluated: 2025-10-23. Review status: criteria provided, single submitter. Criteria: Invitae Variant Classification Sherloc (09022015). Collection method: clinical testing. Allele origin: germline.
Comment: This sequence change replaces cysteine, which is neutral and slightly polar, with tyrosine, which is neutral and polar, at codon 1286 of the LRP5 protein (p.Cys1286Tyr). This variant is not present in population databases (gnomAD no frequency). This variant has not been reported in the literature in individuals affected with LRP5-related conditions. ClinVar contains an entry for this variant (Variation ID: 802696). Invitae Evidence Modeling of protein sequence and biophysical properties (such as structural, functional, and spatial information, amino acid conservation, physicochemical variation, residue mobility, and thermodynamic stability) indicates that this missense variant is expected to disrupt LRP5 protein function with a positive predictive value of 80%. In summary, the available evidence is currently insufficient to determine the role of this variant in disease. Therefore, it has been classified as a Variant of Uncertain Significance.

Mendelics
Classification: Likely pathogenic for Osteoporosis with pseudoglioma. Last evaluated: 2019-05-28. Review status: criteria provided, single submitter. Criteria: Mendelics Assertion Criteria 2017. Collection method: clinical testing. Allele origin: unknown.

NM_002335.4(LRP5):c.3857G>A (p.Cys1286Tyr)

Gene: LRP5 (LDL receptor related protein 5; plus strand). Cytogenetic location: 11q13.2.
Variant type: single nucleotide variant.
Coding change: c.3857G>A on transcript NM_002335.4 (MANE Select); coding-DNA position 3857, G replaced by A.
Protein change: p.Cys1286Tyr; replaces cysteine 1286 with tyrosine.
Molecular consequence: missense variant.
Genome position (GRCh38, 1-based): chr11:68,433,695, G>A. VCF-style: chr11-68433695-G-A. GRCh37 (hg19) VCF-style: chr11-68201163-G-A.
Other names: c.2114G>A, p.Cys705Tyr (NM_001291902.2); short protein forms C705Y, C1286Y.
Identifiers: ClinVar variation 802696 (VCV000802696.5), dbSNP rs1326459816, ClinGen allele CA381613765.